The following is an entry in ClinVar:

ClinVar aggregate classification (germline): Uncertain significance. Review status: criteria provided, multiple submitters, no conflicts (2 of 4 stars). 2 submissions from 2 submitters: Uncertain significance (2). Last evaluated 2025-02-07.

Conditions:
Inborn genetic diseases. Identifiers: MedGen C0950123, MeSH D030342.

Allele frequency attached by ClinVar (database versions not stated): gnomAD 0.00002; ExAC 0.00001; gnomAD exomes 0.00002; TOPMed 0.00003.
gnomAD v4.1: 31 of 1,576,320 alleles (0.002%); highest among the groups gnomAD compares: South Asian, 0.0047%; no homozygotes.

Submissions (2):

Ambry Genetics
Classification: Uncertain significance for Inborn genetic diseases. Last evaluated: 2025-02-07. Review status: criteria provided, single submitter. Criteria: Ambry Variant Classification Scheme 2023. Collection method: clinical testing. Allele origin: germline.

Labcorp Genetics (formerly Invitae), Labcorp
Classification: Uncertain significance. Last evaluated: 2022-02-05. Review status: criteria provided, single submitter. Criteria: Invitae Variant Classification Sherloc (09022015). Collection method: clinical testing. Allele origin: germline.
Comment: This sequence change replaces arginine, which is basic and polar, with cysteine, which is neutral and slightly polar, at codon 328 of the PCYT1A protein (p.Arg328Cys). The frequency data for this variant in the population databases is considered unreliable, as metrics indicate poor data quality at this position in the gnomAD database. This variant has not been reported in the literature in individuals affected with PCYT1A-related conditions. Advanced modeling of protein sequence and biophysical properties (such as structural, functional, and spatial information, amino acid conservation, physicochemical variation, residue mobility, and thermodynamic stability) performed at Invitae indicates that this missense variant is not expected to disrupt PCYT1A protein function. In summary, the available evidence is currently insufficient to determine the role of this variant in disease. Therefore, it has been classified as a Variant of Uncertain Significance.

NM_001312673.2(PCYT1A):c.982C>T (p.Arg328Cys)

Gene: PCYT1A (phosphate cytidylyltransferase 1A, choline; minus strand). Cytogenetic location: 3q29.
Variant type: single nucleotide variant.
Coding change: c.982C>T on transcript NM_001312673.2 (MANE Select); coding-DNA position 982, C replaced by T.
Protein change: p.Arg328Cys; replaces arginine 328 with cysteine.
Molecular consequence: missense variant.
Genome position (GRCh38, 1-based): chr3:196,238,810, G>A on the plus strand (C>T on the coding strand, the complement: PCYT1A is on the minus strand). VCF-style: chr3-196238810-G-A. GRCh37 (hg19) VCF-style: chr3-195965681-G-A.
Other names: c.982C>T, p.Arg328Cys (NM_005017.4); c.982C>T (NM_005017.2); short protein forms R328C.
Identifiers: ClinVar variation 1400085 (VCV001400085.6), dbSNP rs61737437, ClinGen allele CA2779368.